The following is an entry in ClinVar:

ClinVar aggregate classification (germline): Uncertain significance (1 of 4 stars; one submission).

Submission:

CeGaT Center for Human Genetics Tuebingen
Classification: Uncertain significance. Last evaluated: 2023-04-01. Review status: criteria provided, single submitter. Criteria: CeGaT Center For Human Genetics Tuebingen Variant Classification Criteria Version 2. Collection method: clinical testing. Allele origin: germline. Affected: yes. Observed: 1 variant allele.
Comment: KCNMA1: PM2

NM_001161352.2(KCNMA1):c.378+878del

Gene: KCNMA1 (potassium calcium-activated channel subfamily M alpha 1; minus strand). Cytogenetic location: 10q22.3.
Variant type: Deletion.
Coding change: c.378+878del on transcript NM_001161352.2 (MANE Select); 878 bases into the intron after coding-DNA position 378, one base deleted (G; older notation c.378+878delG).
Molecular consequence: intron variant. On other transcripts: 3 prime UTR variant (2), frameshift variant (2), stop lost (1).
Genome position (GRCh38, 1-based): chr10:77,636,387, C deleted on the plus strand (G on the coding strand, the reverse complement: KCNMA1 is on the minus strand). VCF-style (leftmost placement, unchanged base first): chr10-77636386-GC-G. GRCh37 (hg19) VCF-style: chr10-79396144-GC-G.
Other names: c.*356del (NM_001271520.2); c.*174del (NM_001271521.2); c.507del, p.Ter169TyrextTer? (NM_001271522.2); c.674del, p.Ser225fs (NM_001322839.2); c.378+878del (NM_001271518.2, NM_001322832.2, NM_001410940.1 and 9 more transcripts); short protein forms S225fs.
Identifiers: ClinVar variation 2640619 (VCV002640619.24), dbSNP rs2552274721, ClinGen allele CA2695200858.